The following is an entry in ClinVar:

NM_020843.4(SCAPER):c.2839-2262G>A

Gene: SCAPER (S-phase cyclin A associated protein in the ER; minus strand). Cytogenetic location: 15q24.3.
Variant type: single nucleotide variant.
Coding change: c.2839-2262G>A on transcript NM_020843.4 (MANE Select); 2262 bases into the intron before coding-DNA position 2839, G replaced by A.
Molecular consequence: intron variant.
Genome position (GRCh38, 1-based): chr15:76,507,236, C>T on the plus strand (G>A on the coding strand, the complement: SCAPER is on the minus strand). VCF-style: chr15-76507236-C-T. GRCh37 (hg19) VCF-style: chr15-76799577-C-T.
Other names: c.2455-2262G>A (NM_001353011.2); c.2437-2262G>A (NM_001353012.2, NM_001353010.2); c.2857-2262G>A (NM_001353009.2); c.2101-2262G>A (NM_001145923.2).
Identifiers: ClinVar variation 4996421 (VCV004996421.1).
Genomic context (GRCh38, chr15:76,507,236, plus strand): 5'-GTAGGCTCTGGTCCAATATGACTGGCGTTCTTATAAGAGGAGAAAGAGACACTGGGGTTA[C>T]ACCTGCACAGTCAAGAAGCTACATGAGGACACAGCAAGTGGTGGCCATCCATGAGCCAAG-3'

ClinVar aggregate classification (germline): Uncertain significance (1 of 4 stars; one submission).

Conditions:
SCAPER-related disorder. Also called: SCAPER-related condition.

gnomAD v4.1: 1 of 152,246 alleles (0.00066%); highest among the groups gnomAD compares: Middle Eastern, 0.34%; no homozygotes.

Submission:

PreventionGenetics, part of Exact Sciences
Classification: Uncertain significance for SCAPER-related condition. Last evaluated: 2026-03-26. Review status: criteria provided, single submitter. Criteria: ACMG Guidelines, 2015. Collection method: clinical testing. Allele origin: germline.
Comment: The SCAPER c.2839-2262G>A variant is predicted to interfere with splicing. This variant may interfere with splicing based on available splicing prediction programs (SpliceAI, Jaganathan et al. 2019. PubMed ID: 30661751; Alamut Visual Plus v1.6.1). However, the use of computer prediction programs is not equivalent to functional evidence. To our knowledge, this variant has not been reported in the literature or in a large population database (gnomAD), indicating this variant is rare. At this time, the clinical significance of this variant is uncertain due to the absence of conclusive functional and genetic evidence.